The following is an entry in ClinVar:

NM_000395.3(CSF2RB):c.1802C>A (p.Ser601Tyr)

Gene: CSF2RB (colony stimulating factor 2 receptor subunit beta; plus strand). Cytogenetic location: 22q12.3.
Variant type: single nucleotide variant.
Coding change: c.1802C>A on transcript NM_000395.3 (MANE Select); coding-DNA position 1802, C replaced by A.
Protein change: p.Ser601Tyr; replaces serine 601 with tyrosine.
Molecular consequence: missense variant.
Genome position (GRCh38, 1-based): chr22:36,937,610, C>A. VCF-style: chr22-36937610-C-A. GRCh37 (hg19) VCF-style: chr22-37333652-C-A.
Other names: c.1820C>A, p.Ser607Tyr (NM_001410827.1); short protein forms S601Y, S607Y.
Identifiers: ClinVar variation 2794639 (VCV002794639.3), dbSNP rs2518008620, ClinGen allele CA411410215.

ClinVar aggregate classification (germline): Uncertain significance (1 of 4 stars; one submission).

Submission:

Labcorp Genetics (formerly Invitae), Labcorp
Classification: Uncertain significance. Last evaluated: 2023-09-07. Review status: criteria provided, single submitter. Criteria: Invitae Variant Classification Sherloc (09022015). Collection method: clinical testing. Allele origin: germline.
Comment: This variant has not been reported in the literature in individuals affected with CSF2RB-related conditions. In summary, the available evidence is currently insufficient to determine the role of this variant in disease. Therefore, it has been classified as a Variant of Uncertain Significance. Advanced modeling of protein sequence and biophysical properties (such as structural, functional, and spatial information, amino acid conservation, physicochemical variation, residue mobility, and thermodynamic stability) performed at Invitae indicates that this missense variant is expected to disrupt CSF2RB protein function. This variant is not present in population databases (gnomAD no frequency). This sequence change replaces serine, which is neutral and polar, with tyrosine, which is neutral and polar, at codon 601 of the CSF2RB protein (p.Ser601Tyr).